The following is an entry in ClinVar:

ClinVar aggregate classification (germline): Uncertain significance. Review status: reviewed by expert panel (3 of 4 stars). 3 submissions from 3 submitters: Uncertain significance (1). 2 of the submissions do not count toward it. Last evaluated 2023-08-24.

Conditions:
Creatine transporter deficiency (CCDS1). Also called: SLC6A8-Related Creatine Transporter Deficiency; Creatine Transporter (CRTR) Deficiency; CREATINE TRANSPORTER DEFECT; CEREBRAL CREATINE DEFICIENCY SYNDROME 1; Mental retardation , X-linked with seizures, short stature and midface hypoplasia; Mental retardation , X-linked, with creatine transport deficiency. Identifiers: Orphanet 52503, MedGen C1845862, MONDO:0010305, OMIM 300352.

Submissions (3):

ClinGen Cerebral Creatine Deficiency Syndromes Variant Curation Expert Panel, ClinGen
Classification: Uncertain significance for Creatine transporter deficiency. Last evaluated: 2023-08-24. Review status: reviewed by expert panel. Criteria: ClinGen_CCDS_ACMG_Specifications_SLC6A8_v1.1. Collection method: curation. Allele origin: germline. Inheritance: X-linked inheritance.
Comment: The NM_005629.4:c.259G>A variant in SLC6A8 is a missense variant predicted to cause substitution of glycine by arginine at amino acid 87 (p.Gly87Arg). This variant is absent in population databases (PM2_Supporting) and has been described in the literature in an individual for whom biochemical testing could not be performed (PMID: 15154114). The computational predictor REVEL gives a score of 0.961 which is above the thresholds predicting a damaging (>0.75) impact on SLC6A8 function (PP3). When fibroblasts deficient for this SLC6A8 variant were grown in the presence of a physiological Cr concentration (25uM), the average creatine uptake was just above the detection limit, whereas in the control fibroblasts it was significantly higher (PMID: 17465020) (PS3_Supporting). There is a ClinVar entry for this variant (Variation ID:11700). In summary, this variant meets the criteria to be classified as a Variant of Uncertain Significance for Creatine Transporter Deficiency. SLC6A8-specific ACMG/AMP criteria applied, as specified by the ClinGen Cerebral Creatine Deficiency Syndromes Variant Curation Expert Panel (Specifications Version 1.1.0): PP3, PS3_Supporting, PM2_Supporting. (Classification approved by the ClinGen CCDS VCEP, July 13, 2023)

Mayo Clinic Laboratories, Mayo Clinic
Classification: Likely pathogenic. Last evaluated: 2020-06-24. Review status: criteria provided, single submitter. Criteria: ACMG Guidelines, 2015. Collection method: clinical testing. Allele origin: germline. Observed: 1 variant allele. Not counted in ClinVar's aggregate classification.
Comment: PS3, PM2, PP3, PM6

OMIM
Classification: Pathogenic for CEREBRAL CREATINE DEFICIENCY SYNDROME 1. Last evaluated: 2004-07-01. Review status: no assertion criteria provided. Collection method: literature only. Allele origin: germline. Not counted in ClinVar's aggregate classification.

Literature cited by the submitters: PubMed 15154114 (cited by Mayo Clinic Laboratories, Mayo Clinic and OMIM); PubMed 17465020 (cited by Mayo Clinic Laboratories, Mayo Clinic); PubMed 23408511 (cited by Mayo Clinic Laboratories, Mayo Clinic); PubMed 16738945 (cited by Mayo Clinic Laboratories, Mayo Clinic); PubMed 25861866 (cited by Mayo Clinic Laboratories, Mayo Clinic); PubMed 15857409 (cited by Mayo Clinic Laboratories, Mayo Clinic); PubMed 30885608 (cited by Mayo Clinic Laboratories, Mayo Clinic).

NM_005629.4(SLC6A8):c.259G>A (p.Gly87Arg)

Gene: SLC6A8 (solute carrier family 6 member 8; plus strand). Cytogenetic location: Xq28.
Variant type: single nucleotide variant.
Coding change: c.259G>A on transcript NM_005629.4 (MANE Select); coding-DNA position 259, G replaced by A.
Protein change: p.Gly87Arg; replaces glycine 87 with arginine.
Molecular consequence: missense variant.
Genome position (GRCh38, 1-based): chrX:153,688,833, G>A. VCF-style: chrX-153688833-G-A. GRCh37 (hg19) VCF-style: chrX-152954288-G-A.
Other names: NM_005629.4(SLC6A8):c.259G>A; c.259G>A, p.Gly87Arg (NM_001142805.2); short protein forms G87R.
Identifiers: ClinVar variation 11700 (VCV000011700.9), dbSNP rs122453115, ClinGen allele CA256012.